The following is an entry in ClinVar:

NM_012463.4(ATP6V0A2):c.920C>G (p.Ala307Gly)

Gene: ATP6V0A2 (ATPase H+ transporting V0 subunit a2; plus strand). Cytogenetic location: 12q24.31.
Variant type: single nucleotide variant.
Coding change: c.920C>G on transcript NM_012463.4 (MANE Select); coding-DNA position 920, C replaced by G.
Protein change: p.Ala307Gly; replaces alanine 307 with glycine.
Molecular consequence: missense variant.
Genome position (GRCh38, 1-based): chr12:123,737,153, C>G. VCF-style: chr12-123737153-C-G. GRCh37 (hg19) VCF-style: chr12-124221700-C-G.
Other names: short protein forms A307G.
Identifiers: ClinVar variation 881962 (VCV000881962.9), dbSNP rs752306671, ClinGen allele CA6861772.

ClinVar aggregate classification (germline): Uncertain significance. Review status: criteria provided, multiple submitters, no conflicts (2 of 4 stars). 4 submissions from 4 submitters: Uncertain significance (4). Last evaluated 2025-05-18.

Conditions:
Inborn genetic diseases. Identifiers: MedGen C0950123, MeSH D030342.
ALG9 congenital disorder of glycosylation (CDG1L). Also called: CDG Il; ALG9-CDG; CONGENITAL DISORDER OF GLYCOSYLATION, TYPE Il. Identifiers: Orphanet 79328, MedGen C2931006, MONDO:0012117, OMIM 608776.
Cutis laxa with osteodystrophy (ARCL2A). Also called: Debré-Type Cutis Laxa; CUTIS LAXA WITH CONGENITAL DISORDER OF GLYCOSYLATION; CUTIS LAXA, AUTOSOMAL RECESSIVE, TYPE IIA; CUTIS LAXA WITH BONE DYSTROPHY; CUTIS LAXA WITH GROWTH AND DEVELOPMENTAL DELAY; CUTIS LAXA WITH JOINT LAXITY AND RETARDED DEVELOPMENT. Identifiers: Orphanet 357058, MedGen C0268355, MONDO:0018163, OMIM 219200. Disease mechanism: loss of function.

Allele frequency attached by ClinVar (database versions not stated): gnomAD exomes 0.00004 and 0.00011; ExAC 0.00010; gnomAD 0.00010; TOPMed 0.00011.
gnomAD v4.1: 65 of 1,614,182 alleles (0.004%); highest among the groups gnomAD compares: Admixed American, 0.06%; no homozygotes.

Submissions (4):

Ambry Genetics
Classification: Uncertain significance for Inborn genetic diseases. Last evaluated: 2025-05-18. Review status: criteria provided, single submitter. Criteria: Ambry Variant Classification Scheme 2023. Collection method: clinical testing. Allele origin: germline.

Labcorp Genetics (formerly Invitae), Labcorp
Classification: Uncertain significance for ALG9 congenital disorder of glycosylation. Last evaluated: 2022-09-12. Review status: criteria provided, single submitter. Criteria: Invitae Variant Classification Sherloc (09022015). Collection method: clinical testing. Allele origin: germline.
Comment: This sequence change replaces alanine, which is neutral and non-polar, with glycine, which is neutral and non-polar, at codon 307 of the ATP6V0A2 protein (p.Ala307Gly). This variant is present in population databases (rs752306671, gnomAD 0.07%). This variant has not been reported in the literature in individuals affected with ATP6V0A2-related conditions. ClinVar contains an entry for this variant (Variation ID: 881962). Advanced modeling of protein sequence and biophysical properties (such as structural, functional, and spatial information, amino acid conservation, physicochemical variation, residue mobility, and thermodynamic stability) performed at Invitae indicates that this missense variant is not expected to disrupt ATP6V0A2 protein function. In summary, the available evidence is currently insufficient to determine the role of this variant in disease. Therefore, it has been classified as a Variant of Uncertain Significance.

GeneDx
Classification: Uncertain significance. Last evaluated: 2021-09-03. Review status: criteria provided, single submitter. Criteria: GeneDx Variant Classification Process June 2021. Collection method: clinical testing. Allele origin: germline. Affected: yes.
Comment: In silico analysis supports that this missense variant has a deleterious effect on protein structure/function; Has not been previously published as pathogenic or benign to our knowledge

Illumina Laboratory Services, Illumina
Classification: Uncertain significance for Cutis laxa with osteodystrophy. Last evaluated: 2018-01-13. Review status: criteria provided, single submitter. Criteria: ICSL Variant Classification Criteria 13 December 2019. Collection method: clinical testing. Allele origin: germline.